The following is an entry in ClinVar:

NM_000807.4(GABRA2):c.124T>A (p.Phe42Ile)

Gene: GABRA2 (gamma-aminobutyric acid type A receptor subunit alpha2; minus strand). Cytogenetic location: 4p12.
Variant type: single nucleotide variant.
Coding change: c.124T>A on transcript NM_000807.4 (MANE Select); coding-DNA position 124, T replaced by A.
Protein change: p.Phe42Ile; replaces phenylalanine 42 with isoleucine.
Molecular consequence: missense variant. On other transcripts: synonymous variant (4).
Genome position (GRCh38, 1-based): chr4:46,386,137, A>T on the plus strand (T>A on the coding strand, the complement: GABRA2 is on the minus strand). VCF-style: chr4-46386137-A-T. GRCh37 (hg19) VCF-style: chr4-46388154-A-T.
Other names: c.124T>A, p.Phe42Ile (NM_001377145.1, NM_001377146.1, NM_001377147.1 and 8 more transcripts); c.27T>A, p.Ser9= (NM_001377152.1, NM_001377153.1, NM_001377154.1 and 1 more transcripts); short protein forms F42I.
Identifiers: ClinVar variation 2718827 (VCV002718827.3), dbSNP rs2476213850, ClinGen allele CA356803052.
Genomic context (GRCh38, chr4:46,386,137, plus strand): 5'-CCAGTCCTGGTCTAAGCCGATTATCGTAACCATCCAGAAGTCTGTCAAGAATTCTCGTAA[A>T]GATGGTAATGTTATTTTTAGCCTCATCTTCTTGGATGTTAGCCAGCACCAACCTAAACAG-3'
Protein context (NP_000798.2, residues 32-52): EDEAKNNITI[Phe42Ile]TRILDRLLDG

ClinVar aggregate classification (germline): Likely pathogenic (1 of 4 stars; one submission).

Submission:

Labcorp Genetics (formerly Invitae), Labcorp
Classification: Likely pathogenic. Last evaluated: 2023-09-14. Review status: criteria provided, single submitter. Criteria: Invitae Variant Classification Sherloc (09022015). Collection method: clinical testing. Allele origin: germline.
Comment: This sequence change replaces phenylalanine, which is neutral and non-polar, with isoleucine, which is neutral and non-polar, at codon 42 of the GABRA2 protein (p.Phe42Ile). This variant is not present in population databases (gnomAD no frequency). This missense change has been observed in individual(s) with clinical features of developmental and epileptic encephalopathy (Invitae). In at least one individual the variant was observed to be de novo. An algorithm developed to predict the effect of missense changes on protein structure and function (PolyPhen-2) suggests that this variant is likely to be disruptive. In summary, the currently available evidence indicates that the variant is pathogenic, but additional data are needed to prove that conclusively. Therefore, this variant has been classified as Likely Pathogenic.